The following is an entry in ClinVar:

NM_001256715.2(DNAAF3):c.86-60A>C

Genes: DNAAF3 (dynein axonemal assembly factor 3; minus strand), DNAAF3-AS1 (DNAAF3 antisense RNA 1; plus strand). Cytogenetic location: 19q13.42.
Variant type: single nucleotide variant.
Coding change: c.86-60A>C on transcript NM_001256715.2 (MANE Select); 60 bases into the intron before coding-DNA position 86, A replaced by C.
Molecular consequence: intron variant. On other transcripts: missense variant (1).
Genome position (GRCh38, 1-based): chr19:55,166,060, T>G on the plus strand (A>C on the coding strand, the complement: DNAAF3 is on the minus strand). VCF-style: chr19-55166060-T-G. GRCh37 (hg19) VCF-style: chr19-55677428-T-G.
Other names: c.227-60A>C (NM_178837.4); c.-153-60A>C (NM_001256716.2); c.230A>C, p.Asp77Ala (NM_001256714.1); short protein forms D77A.
Identifiers: ClinVar variation 958819 (VCV000958819.10), dbSNP rs771361438, ClinGen allele CA9668240.
Genomic context (GRCh38, chr19:55,166,060, plus strand): 5'-CCTGGCAAGATGACAGCTGGCTGGGGCACCATGGTGGTTGGCAGAGCGTCCACCGTAGCA[T>G]CCCCTATAAAAAATGGACTACAAATCCCAGTAGGCGTTCCGCCCGTGGCCTAGGTTCTAA-3'

ClinVar aggregate classification (germline): Conflicting classifications of pathogenicity. Review status: criteria provided, conflicting classifications (1 of 4 stars). 3 submissions from 3 submitters: Uncertain significance (1); Likely benign (2). Last evaluated 2024-11-13.

Conditions:
Primary ciliary dyskinesia. Also called: Ciliary dyskinesia. Identifiers: Orphanet 244, MedGen C0008780, MONDO:0016575, HP:0012265.

Allele frequency attached by ClinVar (database versions not stated): ExAC 0.00005; gnomAD 0.00005 and 0.00006; gnomAD exomes 0.00008; TOPMed 0.00008.
gnomAD v4.1: 117 of 1,613,186 alleles (0.0073%); highest among the groups gnomAD compares: Middle Eastern, 0.016%; 1 homozygote.

Submissions (3):

Ambry Genetics
Classification: Likely benign for Primary ciliary dyskinesia. Last evaluated: 2024-11-13. Review status: criteria provided, single submitter. Criteria: Ambry Variant Classification Scheme 2023. Collection method: clinical testing. Allele origin: germline.

Blueprint Genetics
Classification: Likely benign. Last evaluated: 2023-10-17. Review status: criteria provided, single submitter. Criteria: ACMG Guidelines, 2015. Collection method: clinical testing. Allele origin: germline.

Labcorp Genetics (formerly Invitae), Labcorp
Classification: Uncertain significance for Primary ciliary dyskinesia. Last evaluated: 2023-09-01. Review status: criteria provided, single submitter. Criteria: Invitae Variant Classification Sherloc (09022015). Collection method: clinical testing. Allele origin: germline.
Comment: This variant is present in population databases (rs771361438, gnomAD 0.02%), including at least one homozygous and/or hemizygous individual. This sequence change replaces aspartic acid, which is acidic and polar, with alanine, which is neutral and non-polar, at codon 77 of the DNAAF3 protein (p.Asp77Ala). In summary, the available evidence is currently insufficient to determine the role of this variant in disease. Therefore, it has been classified as a Variant of Uncertain Significance. Algorithms developed to predict the effect of missense changes on protein structure and function output the following: SIFT: "Not Available"; PolyPhen-2: "Benign"; Align-GVGD: "Not Available". The alanine amino acid residue is found in multiple mammalian species, which suggests that this missense change does not adversely affect protein function. ClinVar contains an entry for this variant (Variation ID: 958819). This variant has not been reported in the literature in individuals affected with DNAAF3-related conditions.